The following is an entry in ClinVar:

NM_033380.3(COL4A5):c.4060G>T (p.Gly1354Trp)

Gene: COL4A5 (collagen type IV alpha 5 chain; plus strand). Cytogenetic location: Xq22.3.
Variant type: single nucleotide variant.
Coding change: c.4060G>T on transcript NM_033380.3 (MANE Select); coding-DNA position 4060, G replaced by T.
Protein change: p.Gly1354Trp; replaces glycine 1354 with tryptophan.
Molecular consequence: missense variant.
Genome position (GRCh38, 1-based): chrX:108,680,929, G>T. VCF-style: chrX-108680929-G-T. GRCh37 (hg19) VCF-style: chrX-107924159-G-T.
Other names: c.4042G>T, p.Gly1348Trp (NM_000495.5); short protein forms G1348W, G1354W.
Identifiers: ClinVar variation 2746481 (VCV002746481.3), dbSNP rs2524613329, ClinGen allele CA413851183.

ClinVar aggregate classification (germline): Likely pathogenic (1 of 4 stars; one submission).

Submission:

Labcorp Genetics (formerly Invitae), Labcorp
Classification: Likely pathogenic. Last evaluated: 2023-08-16. Review status: criteria provided, single submitter. Criteria: Invitae Variant Classification Sherloc (09022015). Collection method: clinical testing. Allele origin: germline.
Comment: This sequence change replaces glycine, which is neutral and non-polar, with tryptophan, which is neutral and slightly polar, at codon 1348 of the COL4A5 protein (p.Gly1348Trp). This variant is not present in population databases (gnomAD no frequency). This variant has not been reported in the literature in individuals affected with COL4A5-related conditions. Advanced modeling of protein sequence and biophysical properties (such as structural, functional, and spatial information, amino acid conservation, physicochemical variation, residue mobility, and thermodynamic stability) performed at Invitae indicates that this missense variant is expected to disrupt COL4A5 protein function. This variant disrupts the triple helix domain of COL4A5. Glycine residues within the Gly-Xaa-Yaa repeats of the triple helix domain are required for the structure and stability of fibrillar collagens (PMID: 7695699, 8218237, 19344236). In COL4A5, missense variants at these glycine residues are significantly enriched in individuals with disease (PMID: 23720012, 27627812) compared to the general population (ExAC). In summary, the currently available evidence indicates that the variant is pathogenic, but additional data are needed to prove that conclusively. Therefore, this variant has been classified as Likely Pathogenic.

Literature cited by the submitters: PubMed 7695699; PubMed 8218237; PubMed 19344236; PubMed 23720012; PubMed 27627812.